The following is an entry in ClinVar:

ClinVar aggregate classification (germline): Conflicting classifications of pathogenicity. Review status: criteria provided, conflicting classifications (1 of 4 stars). 6 submissions from 5 submitters: Uncertain significance (1); Likely benign (4). 1 of the submissions does not count toward it. Last evaluated 2026-01-19.

Conditions:
MITF-related disorder. Also called: MITF-related condition.
Tietz syndrome (TADS). Also called: TIETZ ALBINISM-DEAFNESS SYNDROME; HYPOPIGMENTATION/DEAFNESS OF TIETZ; ALBINISM-DEAFNESS OF TIETZ. Identifiers: Orphanet 42665, MedGen C0391816, MONDO:0007077, OMIM 103500.
Waardenburg syndrome type 2A (WS2A). Also called: WAARDENBURG SYNDROME WITHOUT DYSTOPIA CANTHORUM. Identifiers: Orphanet 3440, MedGen C1860339, MONDO:0008671, OMIM 193510.
Melanoma, cutaneous malignant, susceptibility to, 8. Also called: Cutaneous malignant melanoma 8; MELANOMA AND RENAL CELL CARCINOMA, SUSCEPTIBILITY TO. Identifiers: Orphanet 293822, MedGen C3152204, MONDO:0013759, OMIM 614456.

Allele frequency attached by ClinVar (database versions not stated): TOPMed 0.00003; gnomAD 0.00006; ESP Exome Variant Server 0.00008.
gnomAD v4.1: 61 of 1,613,734 alleles (0.0038%); highest among the groups gnomAD compares: East Asian, 0.02%; no homozygotes.

Submissions (6):

Labcorp Genetics (formerly Invitae), Labcorp
Classification: Likely benign for Melanoma, cutaneous malignant, susceptibility to, 8; Waardenburg syndrome type 2A; Tietz syndrome. Last evaluated: 2026-01-19. Review status: criteria provided, single submitter. Criteria: Invitae Variant Classification Sherloc (09022015). Collection method: clinical testing. Allele origin: germline.

Blueprint Genetics
Classification: Likely benign. Last evaluated: 2023-07-25. Review status: criteria provided, single submitter. Criteria: ACMG Guidelines, 2015. Collection method: clinical testing. Allele origin: germline.

GeneDx
Classification: Likely benign. Last evaluated: 2019-10-23. Review status: criteria provided, single submitter. Criteria: GeneDx Variant Classification Process June 2021. Collection method: clinical testing. Allele origin: germline. Affected: yes.

Illumina Laboratory Services, Illumina
Classification: Uncertain significance for Waardenburg syndrome type 2A. Last evaluated: 2018-01-12. Review status: criteria provided, single submitter. Criteria: ICSL Variant Classification Criteria 13 December 2019. Collection method: clinical testing. Allele origin: germline.

Illumina Laboratory Services, Illumina
Classification: Likely benign for Tietz syndrome. Last evaluated: 2018-01-12. Review status: criteria provided, single submitter. Criteria: ICSL Variant Classification Criteria 13 December 2019. Collection method: clinical testing. Allele origin: germline.
Comment: This variant was observed in the ICSL laboratory as part of a predisposition screen in an ostensibly healthy population. It had not been previously curated by ICSL or reported in the Human Gene Mutation Database (HGMD: prior to June 1st, 2018), and was therefore a candidate for classification through an automated scoring system. Utilizing variant allele frequency, disease prevalence and penetrance estimates, and inheritance mode, an automated score was calculated to assess if this variant is too frequent to cause the disease. Based on the score and internal cut-off values, a variant classified as likely benign is not then subjected to further curation. The score for this variant resulted in a classification of likely benign for this disease.

PreventionGenetics, part of Exact Sciences
Classification: Likely benign for MITF-related condition. Last evaluated: 2021-02-24. Review status: no assertion criteria provided. Collection method: clinical testing. Allele origin: germline. Not counted in ClinVar's aggregate classification.
Comment: This variant is classified as likely benign based on ACMG/AMP sequence variant interpretation guidelines (Richards et al. 2015 PMID: 25741868, with internal and published modifications).

NM_001354604.2(MITF):c.1032-4G>A

Gene: MITF (melanocyte inducing transcription factor; plus strand). Cytogenetic location: 3p13.
Variant type: single nucleotide variant.
Coding change: c.1032-4G>A on transcript NM_001354604.2 (MANE Select); 4 bases into the intron before coding-DNA position 1032, G replaced by A.
Molecular consequence: intron variant.
Genome position (GRCh38, 1-based): chr3:69,959,269, G>A. VCF-style: chr3-69959269-G-A. GRCh37 (hg19) VCF-style: chr3-70008420-G-A.
Other names: c.963-4G>A (NM_001354607.2); c.858-4G>A (NM_001354608.2, NM_001184967.2); c.1014-4G>A (NM_198159.3); c.1029-4G>A (NM_001354605.2); c.1011-4G>A (NM_001354606.2, NM_006722.3); c.966-4G>A (NM_198177.3); c.711-4G>A (NM_000248.4); c.693-4G>A (NM_198158.3); and 1 more.
Identifiers: ClinVar variation 901511 (VCV000901511.14), dbSNP rs199779059, ClinGen allele CA2490560.
Genomic context (GRCh38, chr3:69,959,269, plus strand): 5'-AATATTGAATTTTCATTGAGCCTCAAATCCTAAAAATATCTGTTTTCCTCCATTTTCATC[G>A]CAGAGACATGCGCTGGAACAAGGGAACCATCTTAAAAGCATCCGTGGACTATATCCGAAA-3'